The following is an entry in ClinVar:

NM_001081550.2(THOC2):c.3242G>A (p.Gly1081Asp)

Gene: THOC2 (THO complex subunit 2; minus strand). Cytogenetic location: Xq25.
Variant type: single nucleotide variant.
Coding change: c.3242G>A on transcript NM_001081550.2 (MANE Select); coding-DNA position 3242, G replaced by A.
Protein change: p.Gly1081Asp; replaces glycine 1081 with aspartic acid.
Molecular consequence: missense variant.
Genome position (GRCh38, 1-based): chrX:123,624,136, C>T on the plus strand (G>A on the coding strand, the complement: THOC2 is on the minus strand). VCF-style: chrX-123624136-C-T. GRCh37 (hg19) VCF-style: chrX-122757987-C-T.
Other names: short protein forms G1081D.
Identifiers: ClinVar variation 521001 (VCV000521001.4), dbSNP rs1556015763, ClinGen allele CA414264686.

ClinVar aggregate classification (germline): Uncertain significance (1 of 4 stars; one submission).

Conditions:
Inborn genetic diseases. Identifiers: MedGen C0950123, MeSH D030342.

Submission:

Ambry Genetics
Classification: Uncertain significance for Inborn genetic diseases. Last evaluated: 2024-02-08. Review status: criteria provided, single submitter. Criteria: Ambry Variant Classification Scheme 2023. Collection method: clinical testing. Allele origin: germline.
Comment: The c.3242G>A (p.G1081D) alteration is located in exon 27 (coding exon 27) of the THOC2 gene. This alteration results from a G to A substitution at nucleotide position 3242, causing the glycine (G) at amino acid position 1081 to be replaced by an aspartic acid (D). This variant was not reported in population-based cohorts in the Genome Aggregation Database (gnomAD). This amino acid position is highly conserved in available vertebrate species. This missense alteration is located in a region that has a low rate of benign missense variation (Lek, 2016; Firth, 2009). The in silico prediction for this alteration is inconclusive. Based on insufficient or conflicting evidence, the clinical significance of this alteration remains unclear.